The following is an entry in ClinVar:

NM_000051.4(ATM):c.5006-3T>A

Gene: ATM (ATM serine/threonine kinase; plus strand). Cytogenetic location: 11q22.3.
Variant type: single nucleotide variant.
Coding change: c.5006-3T>A on transcript NM_000051.4 (MANE Select); 3 bases into the intron before coding-DNA position 5006, T replaced by A.
Molecular consequence: intron variant.
Genome position (GRCh38, 1-based): chr11:108,299,711, T>A. VCF-style: chr11-108299711-T-A. GRCh37 (hg19) VCF-style: chr11-108170438-T-A.
Other names: c.5006-3T>A (NM_001351834.2).
Identifiers: ClinVar variation 489552 (VCV000489552.5), dbSNP rs761297488, ClinGen allele CA658683121.

ClinVar aggregate classification (germline): Uncertain significance (1 of 4 stars; one submission).

Conditions:
Hereditary cancer-predisposing syndrome. Also called: Hereditary Cancer Syndrome; Neoplastic Syndromes, Hereditary; Tumor predisposition; Hereditary neoplastic syndrome. Identifiers: Orphanet 140162, MedGen C0027672, MeSH D009386, MONDO:0015356.

gnomAD v4.1: 1 of 1,613,454 alleles (0.000062%); highest among the groups gnomAD compares: Non-Finnish European, 0.000085%; no homozygotes.

Submission:

Color Diagnostics, LLC DBA Color Health
Classification: Uncertain significance for Hereditary cancer-predisposing syndrome. Last evaluated: 2020-06-23. Review status: criteria provided, single submitter. Criteria: ACMG Guidelines, 2015. Collection method: clinical testing. Allele origin: germline.
Comment: This variant causes a T to A nucleotide substitution at the -3 position of intron 33 of the ATM gene. This variant is also known as IVS35-3T>A. To our knowledge, functional studies have not been reported for this variant. This variant has not been reported in individuals affected with hereditary cancer in the literature. This variant has not been identified in the general population by the Genome Aggregation Database (gnomAD). The available evidence is insufficient to determine the role of this variant in disease conclusively. Therefore, this variant is classified as a Variant of Uncertain Significance.